The following is an entry in ClinVar:

NM_000455.5(STK11):c.1072G>T (p.Asp358Tyr)

Genes: STK11 (serine/threonine kinase 11; plus strand), LOC130062899 (ATAC-STARR-seq lymphoblastoid active region 13597; plus strand). Cytogenetic location: 19p13.3.
Variant type: single nucleotide variant.
Coding change: c.1072G>T on transcript NM_000455.5 (MANE Select); coding-DNA position 1072, G replaced by T.
Protein change: p.Asp358Tyr; replaces aspartic acid 358 with tyrosine.
Molecular consequence: missense variant.
Genome position (GRCh38, 1-based): chr19:1,223,136, G>T. VCF-style: chr19-1223136-G-T. GRCh37 (hg19) VCF-style: chr19-1223135-G-T.
Other names: c.1072G>T, p.Asp358Tyr (NM_001407255.1); short protein forms D358Y.
Identifiers: ClinVar variation 1783950 (VCV001783950.3), dbSNP rs587778696, ClinGen allele CA402951879.

ClinVar aggregate classification (germline): Uncertain significance (1 of 4 stars; one submission).

Conditions:
Hereditary cancer-predisposing syndrome. Also called: Neoplastic Syndromes, Hereditary; Tumor predisposition; Hereditary Cancer Syndrome; Hereditary neoplastic syndrome. Identifiers: Orphanet 140162, MedGen C0027672, MeSH D009386, MONDO:0015356.

Submission:

Ambry Genetics
Classification: Uncertain significance for Hereditary cancer-predisposing syndrome. Last evaluated: 2024-05-27. Review status: criteria provided, single submitter. Criteria: Ambry Variant Classification Scheme 2023. Collection method: clinical testing. Allele origin: germline.
Comment: The p.D358Y variant (also known as c.1072G>T), located in coding exon 8 of the STK11 gene, results from a G to T substitution at nucleotide position 1072. The aspartic acid at codon 358 is replaced by tyrosine, an amino acid with highly dissimilar properties. This amino acid position is highly conserved in available vertebrate species. In addition, the in silico prediction for this alteration is inconclusive. Since supporting evidence is limited at this time, the clinical significance of this alteration remains unclear.